The following is an entry in ClinVar:

NM_000070.3(CAPN3):c.1981del (p.Gln660_Ile661insTer)

Gene: CAPN3 (calpain 3; plus strand). Cytogenetic location: 15q15.1.
Variant type: Deletion.
Coding change: c.1981del on transcript NM_000070.3 (MANE Select); coding-DNA position 1981, one base deleted (A; older notation c.1981delA).
Protein change: p.Gln660_Ile661insTer.
Molecular consequence: nonsense. On other transcripts: 5 prime UTR variant (2).
Genome position (GRCh38, 1-based): chr15:42,409,369, A deleted. VCF-style (leftmost placement, unchanged base first): chr15-42409368-GA-G. GRCh37 (hg19) VCF-style: chr15-42701566-GA-G.
Other names: NM_000070.3(CAPN3):c.1981del; p.Gln660_Ile661insTer; c.1981delA (NM_000070.3); c.1963del, p.Gln654_Ile655insTer (NM_024344.2); c.1705del, p.Gln568_Ile569insTer (NM_173087.2); c.445del, p.Gln148_Ile149insTer (NM_173088.2); c.-15del (NM_173089.2, NM_173090.2).
Identifiers: ClinVar variation 194691 (VCV000194691.30), dbSNP rs762471207, ClinGen allele CA346859.

ClinVar aggregate classification (germline): Pathogenic. Review status: reviewed by expert panel (3 of 4 stars). 11 submissions from 11 submitters: Pathogenic (1). 10 of the submissions do not count toward it. Last evaluated 2025-05-14.

Conditions:
Muscular dystrophy, limb-girdle, autosomal dominant 4. Also called: MUSCULAR DYSTROPHY, LIMB-GIRDLE, TYPE 1I; Calpain-3-related limb-girdle muscular dystrophy D4. Identifiers: Orphanet 565909, MedGen C4748295, MONDO:0029133, OMIM 618129.
CAPN3-related disorder. Also called: CAPN3-related disorders; CAPN3-related condition. Identifiers: MedGen CN239245.
Autosomal recessive limb-girdle muscular dystrophy. Identifiers: Orphanet 102015, MedGen C2931907, MONDO:0015152.
Autosomal recessive limb-girdle muscular dystrophy type 2A (LGMDR1). Also called: Muscular dystrophy, limb-girdle, type 2A, Amish; Calpainopathy; Limb-girdle muscular dystrophy, type 2A; LEYDEN-MOEBIUS MUSCULAR DYSTROPHY; MUSCULAR DYSTROPHY, PELVOFEMORAL. Identifiers: Orphanet 267, MedGen C1869123, MONDO:0009675, OMIM 253600. Disease mechanism: loss of function.

Allele frequency attached by ClinVar (database versions not stated): ExAC 0.00001; gnomAD 0.00001; gnomAD exomes 0.00001 and 0.00004; TOPMed 0.00001.

Submissions (11):

ClinGen Limb Girdle Muscular Dystrophy Variant Curation Expert Panel, ClinGen
Classification: Pathogenic for Autosomal recessive limb-girdle muscular dystrophy. Last evaluated: 2025-05-14. Review status: reviewed by expert panel. Criteria: ClinGen LGMD VCEP ACMG Specifications CAPN3 V1.0.0. Collection method: curation. Allele origin: germline. Inheritance: Autosomal recessive inheritance.
Comment: The NM_000070.3: c.1981del p.(Ile661Ter) variant in CAPN3, which is also known as p.(Gln660_Ile661insTer), is a nonsense variant predicted to cause a premature stop codon in biologically relevant exon 17/24, leading to nonsense mediated decay in a gene in which loss of function is an established disease mechanism (PVS1). This variant has been detected in at least 11 patients with features consistent with LGMD (PMID: 30919934, 37526466, 19556129, 18337726, 18055493; LOVD CAPN3_000104), including confirmed in trans with a pathogenic variant in one individual (c.550del p.(Thr184Argfs36), 1.0 pt, PMID: 37526466), in unknown phase with a pathogenic variant in another individual (c.1838del p.(Lys613ArgfsTer49), 0.5 pts, PMID: 18055493), and in a homozygous state in an individual without reported familial consanguinity (0.5 pts, PMID: 18055493) (PM3_Strong). This variant has also been reported to co-segregate with autosomal recessive LGMD in four affected family members from two families (PMID: 30919934; PP1_Strong). In addition, at least one patient with this variant and a second presumed diagnostic CAPN3 variant displayed progressive limb girdle muscle weakness and severely reduced or absent expression of calpain-3 protein in skeletal muscle, which is highly specific for CAPN3-related LGMD (PMID: 18337726, 19556129) (PP4, capped with PP1_Strong). The filtering allele frequency of this variant is 0.000061919 (the upper threshold of the 95% CI of 55/1111948 European (non-Finnish) exome chromosomes) in gnomAD v4.1.0, which is less than the ClinGen LGMD VCEP threshold (≤0.0001), meeting this criterion (PM2_Supporting). In summary, this variant meets the criteria to be classified as Pathogenic for autosomal recessive limb girdle muscular dystrophy based on the ACMG/AMP criteria applied, as specified by the ClinGen LGMD VCEP (LGMD VCEP specifications version 1.0.0; 05/14/2025): PVS1, PM3_Strong, PP1_Strong, PP4, PM2_Supporting.

Labcorp Genetics (formerly Invitae), Labcorp
Classification: Pathogenic for Autosomal recessive limb-girdle muscular dystrophy type 2A. Last evaluated: 2025-09-16. Review status: criteria provided, single submitter. Criteria: Invitae Variant Classification Sherloc (09022015). Collection method: clinical testing. Allele origin: germline. Not counted in ClinVar's aggregate classification.
Comment: This sequence change creates a premature translational stop signal (p.Ile661*) in the CAPN3 gene. It is expected to result in an absent or disrupted protein product. Loss-of-function variants in CAPN3 are known to be pathogenic (PMID: 10330340, 15689361). This variant is present in population databases (rs762471207, gnomAD 0.002%). This premature translational stop signal has been observed in individuals with autosomal recessive limb-girdle muscular dystrophy (PMID: 10330340, 25135358). ClinVar contains an entry for this variant (Variation ID: 194691). For these reasons, this variant has been classified as Pathogenic.

Natera, Inc.
Classification: Pathogenic for Limb-girdle muscular dystrophy type 2A. Last evaluated: 2025-04-18. Review status: criteria provided, single submitter. Criteria: Natera Variant Classification Schema (03/2026). Collection method: clinical testing. Allele origin: germline. Not counted in ClinVar's aggregate classification.
Comment: The c.1981delA variant in CAPN3 is a frameshift variant predicted to shift the reading frame and introduce a stop codon. This variant is expected to result in nonsense mediated decay, truncation, or a dysfunctional protein product. This variant is rare in the general population with a frequency below the threshold expected for the associated phenotype(s). This variant has been observed in one or more individuals affected with the associated recessive disease, as either homozygous or compound heterozygous with a second variant (PMID: 18337726, 25135358, 19556129). Given the available evidence, this variant is classified as Pathogenic.

Revvity Omics, Revvity
Classification: Pathogenic. Last evaluated: 2024-12-04. Review status: criteria provided, single submitter. Criteria: ACMG Guidelines, 2015. Collection method: clinical testing. Allele origin: germline. Not counted in ClinVar's aggregate classification.

Baylor Genetics
Classification: Pathogenic for Muscular dystrophy, limb-girdle, autosomal dominant 4. Last evaluated: 2024-01-09. Review status: criteria provided, single submitter. Criteria: ACMG Guidelines, 2015. Collection method: clinical testing. Allele origin: unknown. Not counted in ClinVar's aggregate classification.

Blueprint Genetics
Classification: Pathogenic for CAPN3-related disorders. Last evaluated: 2021-08-25. Review status: criteria provided, single submitter. Criteria: ACMG Guidelines, 2015. Collection method: clinical testing. Allele origin: germline. Affected: yes. Observed: 3 variant alleles. Not counted in ClinVar's aggregate classification.

Eurofins Ntd Llc (ga)
Classification: Pathogenic. Last evaluated: 2016-12-05. Review status: criteria provided, single submitter. Criteria: EGL Classification Definitions 2015. Collection method: clinical testing. Allele origin: germline. Observed: 6 variant alleles, 6 heterozygotes. Not counted in ClinVar's aggregate classification.

Athena Diagnostics
Classification: Pathogenic for Limb-girdle muscular dystrophy, type 2A. Last evaluated: 2012-12-28. Review status: criteria provided, single submitter. Criteria: Athena Diagnostics Criteria. Collection method: clinical testing. Allele origin: germline. Inheritance: Autosomal recessive inheritance. Not counted in ClinVar's aggregate classification.

Counsyl
Classification: Pathogenic for Autosomal recessive limb-girdle muscular dystrophy type 2A. Last evaluated: 2017-04-04. Review status: no assertion criteria provided. Collection method: clinical testing. Allele origin: unknown. Not counted in ClinVar's aggregate classification.

Joint Genome Diagnostic Labs from Nijmegen and Maastricht, Radboudumc and MUMC+
Classification: Pathogenic. Review status: no assertion criteria provided. Collection method: clinical testing. Allele origin: germline. Affected: yes. Study: VKGL Data-share Consensus. Not counted in ClinVar's aggregate classification.

Laboratory of Diagnostic Genome Analysis, Leiden University Medical Center (LUMC)
Classification: Pathogenic. Review status: no assertion criteria provided. Collection method: clinical testing. Allele origin: germline. Affected: yes. Study: VKGL Data-share Consensus. Not counted in ClinVar's aggregate classification.

Literature cited by the submitters: PubMed 10330340 (cited by Labcorp Genetics (formerly Invitae), Labcorp and Athena Diagnostics); PubMed 15689361 (cited by Labcorp Genetics (formerly Invitae), Labcorp); PubMed 25135358 (cited by Labcorp Genetics (formerly Invitae), Labcorp and Natera, Inc.); PubMed 18337726 (cited by Natera, Inc.); PubMed 19556129 (cited by Natera, Inc.); PubMed 18055493 (cited by Counsyl).